The following is an entry in ClinVar:

ClinVar aggregate classification (germline): Likely benign (1 of 4 stars; one submission).

Allele frequency attached by ClinVar (database versions not stated): gnomAD exomes 0.00025; ExAC 0.00082; gnomAD 0.00273; ESP Exome Variant Server 0.00284; 1000 Genomes Project 0.00319; TOPMed 0.00326; 1000 Genomes Project 30x 0.00328.
gnomAD v4.1: 818 of 1,614,172 alleles (0.051%); highest among the groups gnomAD compares: African/African-American, 0.91%; 7 homozygotes.

Submission:

CeGaT Center for Human Genetics Tuebingen
Classification: Likely benign. Last evaluated: 2022-12-01. Review status: criteria provided, single submitter. Criteria: CeGaT Center For Human Genetics Tuebingen Variant Classification Criteria Version 2. Collection method: clinical testing. Allele origin: germline. Affected: yes. Observed: 1 variant allele.
Comment: KIF21B: BP4, BP7, BS2

NM_001252102.2(KIF21B):c.2145G>A (p.Arg715=)

Gene: KIF21B (kinesin family member 21B; minus strand). Cytogenetic location: 1q32.1.
Variant type: single nucleotide variant.
Coding change: c.2145G>A on transcript NM_001252102.2 (MANE Select); coding-DNA position 2145, G replaced by A.
Protein change: p.Arg715=; no amino-acid change (arginine 715 retained).
Molecular consequence: synonymous variant.
Genome position (GRCh38, 1-based): chr1:200,996,328, C>T on the plus strand (G>A on the coding strand, the complement: KIF21B is on the minus strand). VCF-style: chr1-200996328-C-T. GRCh37 (hg19) VCF-style: chr1-200965456-C-T.
Other names: c.2145G>A, p.Arg715= (NM_001252100.2, NM_001252103.2, NM_017596.4).
Identifiers: ClinVar variation 2639735 (VCV002639735.24), dbSNP rs149084633, ClinGen allele CA1321070.